The following is an entry in ClinVar:

ClinVar aggregate classification (germline): Uncertain significance (1 of 4 stars; one submission).

Conditions:
Congenital glaucoma. Identifiers: MedGen C0020302, MONDO:0020366.

gnomAD v4.1: 2 of 1,612,900 alleles (0.00012%); highest among the groups gnomAD compares: Non-Finnish European, 0.00017%; no homozygotes.

Submission:

Labcorp Genetics (formerly Invitae), Labcorp
Classification: Uncertain significance for Congenital glaucoma. Last evaluated: 2023-12-07. Review status: criteria provided, single submitter. Criteria: Invitae Variant Classification Sherloc (09022015). Collection method: clinical testing. Allele origin: germline.
Comment: This sequence change replaces proline, which is neutral and non-polar, with arginine, which is basic and polar, at codon 7 of the CYP1B1 protein (p.Pro7Arg). This variant is not present in population databases (gnomAD no frequency). This variant has not been reported in the literature in individuals affected with CYP1B1-related conditions. ClinVar contains an entry for this variant (Variation ID: 2045547). Advanced modeling of protein sequence and biophysical properties (such as structural, functional, and spatial information, amino acid conservation, physicochemical variation, residue mobility, and thermodynamic stability) performed at Invitae indicates that this missense variant is not expected to disrupt CYP1B1 protein function with a negative predictive value of 80%. In summary, the available evidence is currently insufficient to determine the role of this variant in disease. Therefore, it has been classified as a Variant of Uncertain Significance.

NM_000104.4(CYP1B1):c.20C>G (p.Pro7Arg)

Gene: CYP1B1 (cytochrome P450 family 1 subfamily B member 1; minus strand). Cytogenetic location: 2p22.2.
Variant type: single nucleotide variant.
Coding change: c.20C>G on transcript NM_000104.4 (MANE Select); coding-DNA position 20, C replaced by G.
Protein change: p.Pro7Arg; replaces proline 7 with arginine.
Molecular consequence: missense variant.
Genome position (GRCh38, 1-based): chr2:38,075,369, G>C on the plus strand (C>G on the coding strand, the complement: CYP1B1 is on the minus strand). VCF-style: chr2-38075369-G-C. GRCh37 (hg19) VCF-style: chr2-38302512-G-C.
Other names: short protein forms P7R.
Identifiers: ClinVar variation 2045547 (VCV002045547.4), dbSNP rs764759660, ClinGen allele CA346330059.